The following is an entry in ClinVar:

ClinVar aggregate classification (germline): Uncertain significance (1 of 4 stars; one submission).

Conditions:
Neuropathy, hereditary sensory and autonomic, type 2A (HSAN2A). Also called: ACROOSTEOLYSIS, GIACCAI TYPE; ACROOSTEOLYSIS, NEUROGENIC; MORVAN DISEASE; NEUROPATHY, CONGENITAL SENSORY; NEUROPATHY, HEREDITARY SENSORY RADICULAR, AUTOSOMAL RECESSIVE; NEUROPATHY, HEREDITARY SENSORY, TYPE IIA. Identifiers: Orphanet 970, MedGen C2752089, MONDO:0024309, OMIM 201300.
Pseudohypoaldosteronism type 2C (PHA2C). Also called: Pseudohypoaldosteronism Type IIC. Identifiers: Orphanet 757, Orphanet 88940, MedGen C1840391, MONDO:0013778, OMIM 614492.

Submission:

Labcorp Genetics (formerly Invitae), Labcorp
Classification: Uncertain significance for Neuropathy, hereditary sensory and autonomic, type 2A; Pseudohypoaldosteronism type 2C. Last evaluated: 2024-07-01. Review status: criteria provided, single submitter. Criteria: Invitae Variant Classification Sherloc (09022015). Collection method: clinical testing. Allele origin: germline.
Comment: This sequence change replaces glycine, which is neutral and non-polar, with valine, which is neutral and non-polar, at codon 976 of the WNK1 protein (p.Gly976Val). This variant is not present in population databases (gnomAD no frequency). This variant has not been reported in the literature in individuals affected with WNK1-related conditions. Advanced modeling of protein sequence and biophysical properties (such as structural, functional, and spatial information, amino acid conservation, physicochemical variation, residue mobility, and thermodynamic stability) performed at Invitae indicates that this missense variant is not expected to disrupt WNK1 protein function with a negative predictive value of 95%. In summary, the available evidence is currently insufficient to determine the role of this variant in disease. Therefore, it has been classified as a Variant of Uncertain Significance.

NM_213655.5(WNK1):c.2927G>T (p.Gly976Val)

Gene: WNK1 (WNK lysine deficient protein kinase 1; plus strand). Cytogenetic location: 12p13.33.
Variant type: single nucleotide variant.
Coding change: c.2927G>T on transcript NM_213655.5 (MANE Plus Clinical); coding-DNA position 2927, G replaced by T.
Protein change: p.Gly976Val; replaces glycine 976 with valine.
Molecular consequence: missense variant. On other transcripts: intron variant (2).
Genome position (GRCh38, 1-based): chr12:868,398, G>T. VCF-style: chr12-868398-G-T. GRCh37 (hg19) VCF-style: chr12-977564-G-T.
Other names: c.2672G>T, p.Gly891Val (NM_001184985.2); c.2140-2867G>T (NM_018979.4, NM_014823.3); short protein forms G891V, G976V.
Identifiers: ClinVar variation 3753829 (VCV003753829.2).